The following is an entry in ClinVar:

NM_001170700.3(DTHD1):c.264G>A (p.Ser88=)

Gene: DTHD1 (death domain containing 1; plus strand). Cytogenetic location: 4p14.
Variant type: single nucleotide variant.
Coding change: c.264G>A on transcript NM_001170700.3 (MANE Select); coding-DNA position 264, G replaced by A.
Protein change: p.Ser88=; no amino-acid change (serine 88 retained).
Molecular consequence: synonymous variant. On other transcripts: missense variant (2), non-coding transcript variant (2).
Genome position (GRCh38, 1-based): chr4:36,282,022, G>A. VCF-style: chr4-36282022-G-A. GRCh37 (hg19) VCF-style: chr4-36283644-G-A.
Other names: c.10G>A, p.Glu4Lys (NM_001136536.5, NM_001378435.1); short protein forms E4K.
Identifiers: ClinVar variation 1034939 (VCV001034939.8), dbSNP rs914759843, ClinGen allele CA95762190.

ClinVar aggregate classification (germline): Uncertain significance (1 of 4 stars; one submission).

Allele frequency attached by ClinVar (database versions not stated): TOPMed 0.00002.
gnomAD v4.1: 33 of 1,522,482 alleles (0.0022%); highest among the groups gnomAD compares: Non-Finnish European, 0.0027%; no homozygotes.

Submission:

Labcorp Genetics (formerly Invitae), Labcorp
Classification: Uncertain significance. Last evaluated: 2022-08-09. Review status: criteria provided, single submitter. Criteria: Invitae Variant Classification Sherloc (09022015). Collection method: clinical testing. Allele origin: germline.
Comment: In summary, the available evidence is currently insufficient to determine the role of this variant in disease. Therefore, it has been classified as a Variant of Uncertain Significance. Algorithms developed to predict the effect of missense changes on protein structure and function are either unavailable or do not agree on the potential impact of this missense change (SIFT: "Tolerated"; PolyPhen-2: "Probably Damaging"; Align-GVGD: "Class C0"). ClinVar contains an entry for this variant (Variation ID: 1034939). This variant has not been reported in the literature in individuals affected with DTHD1-related conditions. The frequency data for this variant in the population databases is considered unreliable, as metrics indicate poor data quality at this position in the gnomAD database. This sequence change replaces glutamic acid, which is acidic and polar, with lysine, which is basic and polar, at codon 4 of the DTHD1 protein (p.Glu4Lys).